The following is an entry in ClinVar:

ClinVar aggregate classification (germline): Uncertain significance (1 of 4 stars; one submission).

gnomAD v4.1: 142 of 1,614,038 alleles (0.0088%); highest among the groups gnomAD compares: South Asian, 0.14%; no homozygotes.

Submission:

GeneDx
Classification: Uncertain significance. Last evaluated: 2025-06-03. Review status: criteria provided, single submitter. Criteria: GeneDx Variant Classification Process June 2021. Collection method: clinical testing. Allele origin: germline. Affected: yes.
Comment: In silico analysis supports that this missense variant has a deleterious effect on protein structure/function; Has not been previously published as pathogenic or benign to our knowledge

NM_015278.5(SASH1):c.293C>T (p.Pro98Leu)

Gene: SASH1 (SAM and SH3 domain containing 1; plus strand). Cytogenetic location: 6q24.3.
Variant type: single nucleotide variant.
Coding change: c.293C>T on transcript NM_015278.5 (MANE Select); coding-DNA position 293, C replaced by T.
Protein change: p.Pro98Leu; replaces proline 98 with leucine.
Molecular consequence: missense variant. On other transcripts: 5 prime UTR variant (1).
Genome position (GRCh38, 1-based): chr6:148,440,191, C>T. VCF-style: chr6-148440191-C-T. GRCh37 (hg19) VCF-style: chr6-148761327-C-T.
Other names: c.158C>T, p.Pro53Leu (NM_001346505.2); c.-145C>T (NM_001346506.2); short protein forms P53L, P98L.
Identifiers: ClinVar variation 4536246 (VCV004536246.1).